The following is an entry in ClinVar:

ClinVar aggregate classification (germline): Uncertain significance (1 of 4 stars; one submission).

Allele frequency attached by ClinVar (database versions not stated): TOPMed below 0.00001; ExAC 0.00001; gnomAD 0.00001.
gnomAD v4.1: 6 of 1,608,086 alleles (0.00037%); highest among the groups gnomAD compares: East Asian, 0.0045%; no homozygotes.

Submission:

Labcorp Genetics (formerly Invitae), Labcorp
Classification: Uncertain significance. Last evaluated: 2022-07-26. Review status: criteria provided, single submitter. Criteria: Invitae Variant Classification Sherloc (09022015). Collection method: clinical testing. Allele origin: germline.
Comment: This sequence change replaces leucine, which is neutral and non-polar, with phenylalanine, which is neutral and non-polar, at codon 315 of the LIG1 protein (p.Leu315Phe). This variant is present in population databases (rs756430512, gnomAD 0.006%). This variant has not been reported in the literature in individuals affected with LIG1-related conditions. Algorithms developed to predict the effect of missense changes on protein structure and function (SIFT, PolyPhen-2, Align-GVGD) all suggest that this variant is likely to be tolerated. In summary, the available evidence is currently insufficient to determine the role of this variant in disease. Therefore, it has been classified as a Variant of Uncertain Significance.

NM_000234.3(LIG1):c.945G>C (p.Leu315Phe)

Gene: LIG1 (DNA ligase 1; minus strand). Cytogenetic location: 19q13.33.
Variant type: single nucleotide variant.
Coding change: c.945G>C on transcript NM_000234.3 (MANE Select); coding-DNA position 945, G replaced by C.
Protein change: p.Leu315Phe; replaces leucine 315 with phenylalanine.
Molecular consequence: missense variant. On other transcripts: non-coding transcript variant (6).
Genome position (GRCh38, 1-based): chr19:48,140,113, C>G on the plus strand (G>C on the coding strand, the complement: LIG1 is on the minus strand). VCF-style: chr19-48140113-C-G. GRCh37 (hg19) VCF-style: chr19-48643370-C-G.
Other names: c.852G>C, p.Leu284Phe (NM_001289063.2); c.741G>C, p.Leu247Phe (NM_001289064.2); c.942G>C, p.Leu314Phe (NM_001320970.2); c.855G>C, p.Leu285Phe (NM_001320971.2); short protein forms L284F, L315F, L314F, L285F, L247F.
Identifiers: ClinVar variation 2148253 (VCV002148253.4), dbSNP rs756430512, ClinGen allele CA9547027.
Genomic context (GRCh38, chr19:48,140,113, plus strand): 5'-GAGGCTGAGGTAGAGGACAGGGAGGAGGTCTGGAGGCGACAGGGCCACCACGGAGCGCAG[C>G]AAGTTGCTCAGCGTCTCCACCATCCGGAGCCTGGAGGAGGGGACGGGGGTATGAACACGT-3'
Protein context (NP_000225.1, residues 305-325): RLRMVETLSN[Leu315Phe]LRSVVALSPP